The following is an entry in ClinVar:

ClinVar aggregate classification (germline): Uncertain significance. Review status: criteria provided, multiple submitters, no conflicts (2 of 4 stars). 2 submissions from 2 submitters: Uncertain significance (2). Last evaluated 2022-04-23.

Conditions:
Thrombophilia due to protein S deficiency, autosomal recessive (THPH6). Identifiers: Orphanet 743, MedGen C3281092, MONDO:0013791, OMIM 614514. Disease mechanism: loss of function.
Protein S deficiency disease. Also called: Protein S deficiency. Identifiers: MedGen C0242666, MeSH D018455, MONDO:0002304.

Submissions (2):

Labcorp Genetics (formerly Invitae), Labcorp
Classification: Uncertain significance for Thrombophilia due to protein S deficiency, autosomal recessive. Last evaluated: 2022-04-23. Review status: criteria provided, single submitter. Criteria: Invitae Variant Classification Sherloc (09022015). Collection method: clinical testing. Allele origin: germline.
Comment: In summary, the available evidence is currently insufficient to determine the role of this variant in disease. Therefore, it has been classified as a Variant of Uncertain Significance. Algorithms developed to predict the effect of missense changes on protein structure and function (SIFT, PolyPhen-2, Align-GVGD) all suggest that this variant is likely to be disruptive. ClinVar contains an entry for this variant (Variation ID: 627241). This missense change has been observed in individual(s) with a thrombotic disorder (PMID: 31064749). This variant is not present in population databases (gnomAD no frequency). This sequence change replaces tyrosine, which is neutral and polar, with cysteine, which is neutral and slightly polar, at codon 484 of the PROS1 protein (p.Tyr484Cys).

NIHR Bioresource Rare Diseases, University of Cambridge
Classification: Uncertain significance for Reduced protein S activity. Last evaluated: 2019-02-01. Review status: criteria provided, single submitter. Criteria: ACMG Guidelines, 2015. Collection method: research. Allele origin: unknown. Affected: yes. Observed: 1 heterozygote. Study: ThromboGenomics.

Literature cited by the submitters: PubMed 31064749 (cited by Labcorp Genetics (formerly Invitae), Labcorp and NIHR Bioresource Rare Diseases, University of Cambridge).

NM_000313.4(PROS1):c.1451A>G (p.Tyr484Cys)

Gene: PROS1 (protein S; minus strand). Cytogenetic location: 3q11.1.
Variant type: single nucleotide variant.
Coding change: c.1451A>G on transcript NM_000313.4 (MANE Select); coding-DNA position 1451, A replaced by G.
Protein change: p.Tyr484Cys; replaces tyrosine 484 with cysteine.
Molecular consequence: missense variant.
Genome position (GRCh38, 1-based): chr3:93,884,769, T>C on the plus strand (A>G on the coding strand, the complement: PROS1 is on the minus strand). VCF-style: chr3-93884769-T-C. GRCh37 (hg19) VCF-style: chr3-93603613-T-C.
Other names: c.1547A>G, p.Tyr516Cys (NM_001314077.2); short protein forms Y484C, Y516C.
Identifiers: ClinVar variation 627241 (VCV000627241.6), dbSNP rs1576175763, ClinGen allele CA353667758.